The following is an entry in ClinVar:

ClinVar aggregate classification (germline): Pathogenic (1 of 4 stars; one submission).

Conditions:
X-linked agammaglobulinemia with growth hormone deficiency (IGHD3). Also called: Isolated growth hormone deficiency type 3; Growth hormone deficiency with hypogammaglobulinemia; AGAMMAGLOBULINEMIA AND ISOLATED GROWTH HORMONE DEFICIENCY, X-LINKED; FLEISHER SYNDROME; HYPOGAMMAGLOBULINEMIA AND ISOLATED GROWTH HORMONE DEFICIENCY, X-LINKED; IGHD III. Identifiers: Orphanet 231692, Orphanet 631, MedGen C0472813, MONDO:0010615, OMIM 307200.

Submission:

Labcorp Genetics (formerly Invitae), Labcorp
Classification: Pathogenic for X-linked agammaglobulinemia with growth hormone deficiency. Last evaluated: 2022-03-01. Review status: criteria provided, single submitter. Criteria: Invitae Variant Classification Sherloc (09022015). Collection method: clinical testing. Allele origin: germline.
Comment: This sequence change creates a premature translational stop signal (p.Ser318Cysfs*4) in the BTK gene. It is expected to result in an absent or disrupted protein product. Loss-of-function variants in BTK are known to be pathogenic (PMID: 15661032, 16862044, 19419768). This variant is not present in population databases (gnomAD no frequency). This variant has not been reported in the literature in individuals affected with BTK-related conditions. For these reasons, this variant has been classified as Pathogenic.

Literature cited by the submitters: PubMed 15661032; PubMed 16862044; PubMed 19419768.

NM_000061.3(BTK):c.951_952del (p.Ser318fs)

Gene: BTK (Bruton tyrosine kinase; minus strand). Cytogenetic location: Xq22.1.
Variant type: Microsatellite.
Coding change: c.951_952del on transcript NM_000061.3 (MANE Select); coding-DNA positions 951 to 952, 2 bases deleted (GT; older notation c.951_952delGT).
Protein change: p.Ser318fs; shifts the reading frame from serine 318.
Molecular consequence: frameshift variant.
Genome position (GRCh38, 1-based): chrX:101,358,639-101,358,640, AC deleted on the plus strand (GT on the coding strand, the reverse complement: BTK is on the minus strand); deleting any 2 consecutive bases within chrX:101,358,639-101,358,642 gives the same sequence; the c. name uses the placement nearest the transcript's 3' end. VCF-style (leftmost placement, unchanged base first): chrX-101358638-GAC-G. GRCh37 (hg19) VCF-style: chrX-100613626-GAC-G.
Other names: c.1053_1054del, p.Ser352fs (NM_001287344.2); c.951_952del, p.Ser318fs (NM_001287345.2); short protein forms S352fs, S318fs.
Identifiers: ClinVar variation 2105536 (VCV002105536.4), dbSNP rs2520573659, ClinGen allele CA2580612446.
Genomic context (GRCh38, chrX:101,358,638, plus strand): 5'-TGTTCTTTGTCCTCAGGGCCTTGGAATAGTAGCACTCACCCTGTGGATTTAGCAAACACA[GAC>G]ACTGTATATTTGCCAGCTTTGCTGGAGTCTCTGACAATGAAACCTCCTTCTTTCCCCTGA-3'